The following is an entry in ClinVar:

ClinVar aggregate classification (germline): Conflicting classifications of pathogenicity. Review status: criteria provided, conflicting classifications (1 of 4 stars). 2 submissions from 2 submitters: Uncertain significance (1); Likely benign (1). Last evaluated 2025-08-18.

Allele frequency attached by ClinVar (database versions not stated): gnomAD exomes 0.00002; gnomAD 0.00003; TOPMed 0.00003.
gnomAD v4.1: 33 of 1,546,076 alleles (0.0021%); highest among the groups gnomAD compares: Non-Finnish European, 0.0026%; no homozygotes.

Submissions (2):

Labcorp Genetics (formerly Invitae), Labcorp
Classification: Likely benign. Last evaluated: 2025-08-18. Review status: criteria provided, single submitter. Criteria: Invitae Variant Classification Sherloc (09022015). Collection method: clinical testing. Allele origin: germline.

CeGaT Center for Human Genetics Tuebingen
Classification: Uncertain significance. Last evaluated: 2022-03-01. Review status: criteria provided, single submitter. Criteria: CeGaT Center For Human Genetics Tuebingen Variant Classification Criteria Version 2. Collection method: clinical testing. Allele origin: germline. Affected: yes. Observed: 1 variant allele.
Comment: PACS2: PP3

NM_001100913.3(PACS2):c.1401G>A (p.Gln467=)

Gene: PACS2 (phosphofurin acidic cluster sorting protein 2; plus strand). Cytogenetic location: 14q32.33.
Variant type: single nucleotide variant.
Coding change: c.1401G>A on transcript NM_001100913.3 (MANE Select); coding-DNA position 1401, G replaced by A.
Protein change: p.Gln467=; no amino-acid change (glutamine 467 retained).
Molecular consequence: synonymous variant.
Genome position (GRCh38, 1-based): chr14:105,382,046, G>A. VCF-style: chr14-105382046-G-A. GRCh37 (hg19) VCF-style: chr14-105848383-G-A.
Other names: c.1176G>A, p.Gln392= (NM_001243127.3); c.1401G>A, p.Gln467= (NM_015197.4).
Identifiers: ClinVar variation 1664860 (VCV001664860.32), dbSNP rs782775675, ClinGen allele CA7388797.
Genomic context (GRCh38, chr14:105,382,046, plus strand): 5'-GAATGAGCGGGCCAACAGCCTGGACAACGAGCGCTGCCCGGACGCCCGGAGCCAGCTACA[G>A]GTGCAGCTGCAGGTGGGGGTGGAGGGCGTGGCACGCCCAGGAGGCAGGGCTCGTGGTCAC-3'
Protein context (NP_001094383.2, residues 457-477): ERCPDARSQL[Gln467=]VQLQIPRKTV